The following is an entry in ClinVar:

ClinVar aggregate classification (germline): Likely pathogenic (1 of 4 stars; one submission).

Submission:

Genetic Services Laboratory, University of Chicago
Classification: Likely pathogenic. Last evaluated: 2023-12-27. Review status: criteria provided, single submitter. Criteria: ACMG Guidelines, 2015. Collection method: clinical testing. Allele origin: germline. Affected: yes.
Comment: DNA sequence analysis of the PTCH1 gene demonstrated a 13 base pair deletion in exon 20, c.3318_3330del. This sequence change results in an amino acid frameshift and creates a premature stop codon 27 amino acids downstream of the change, p.Ala1107Argfs*28. This sequence change is predicted to result in an abnormal transcript, which may be degraded, or may lead to the production of a truncated PTCH1 protein with potentially abnormal function. The c.3318_3330del sequence change has not been described in population databases such as ExAC and gnomAD. While this sequence change has not previously been described in the literature, other truncating variants in the PTCH1 gene have been described in several individuals with PTCH1-related disorders (PMID: 16301862, 16419085). This sequence change is likely pathogenic, however functional studies have not been performed to prove this conclusively.

NM_000264.5(PTCH1):c.3318_3330del (p.Ala1107fs)

Gene: PTCH1 (patched 1; minus strand). Cytogenetic location: 9q22.32.
Variant type: Deletion.
Coding change: c.3318_3330del on transcript NM_000264.5 (MANE Select); coding-DNA positions 3318 to 3330, 13 bases deleted (GGCCATCGGCGAC).
Protein change: p.Ala1107fs; shifts the reading frame from alanine 1107.
Molecular consequence: frameshift variant. On other transcripts: non-coding transcript variant (1).
Genome position (GRCh38, 1-based): chr9:95,453,597-95,453,609, GTCGCCGATGGCC deleted on the plus strand (GGCCATCGGCGAC on the coding strand, the reverse complement: PTCH1 is on the minus strand); deleting any 13 consecutive bases within chr9:95,453,597-95,453,612 gives the same sequence; the c. name uses the placement nearest the transcript's 3' end. VCF-style (leftmost placement, unchanged base first): chr9-95453596-TGTCGCCGATGGCC-T. GRCh37 (hg19) VCF-style: chr9-98215878-TGTCGCCGATGGCC-T.
Other names: c.3120_3132del, p.Ala1041fs (NM_001083602.3); c.3315_3327del, p.Ala1106fs (NM_001083603.3); c.2865_2877del, p.Ala956fs (NM_001083604.3, NM_001083605.3, NM_001083606.3 and 1 more transcripts); c.3162_3174del, p.Ala1055fs (NM_001354918.2); short protein forms A1041fs, A1055fs, A1106fs, A1107fs, A956fs.
Identifiers: ClinVar variation 4082501 (VCV004082501.2).